The following is an entry in ClinVar:

NM_000138.5(FBN1):c.6976C>T (p.Pro2326Ser)

Gene: FBN1 (fibrillin 1; minus strand). Cytogenetic location: 15q21.1.
Variant type: single nucleotide variant.
Coding change: c.6976C>T on transcript NM_000138.5 (MANE Select); coding-DNA position 6976, C replaced by T.
Protein change: p.Pro2326Ser; replaces proline 2326 with serine.
Molecular consequence: missense variant.
Genome position (GRCh38, 1-based): chr15:48,428,367, G>A on the plus strand (C>T on the coding strand, the complement: FBN1 is on the minus strand). VCF-style: chr15-48428367-G-A. GRCh37 (hg19) VCF-style: chr15-48720564-G-A.
Other names: c.6976C>T, p.Pro2326Ser (NM_001406716.1); short protein forms P2326S.
Identifiers: ClinVar variation 4788269 (VCV004788269.1).

ClinVar aggregate classification (germline): Uncertain significance (1 of 4 stars; one submission).

Conditions:
Marfan syndrome (MFS). Also called: FBN1-Related Marfan Syndrome; MARFAN SYNDROME, TYPE I; Marfan syndrome type 1; Marfan's syndrome; Marfan syndrome, classic. Identifiers: Orphanet 284963, Orphanet 558, MedGen C0024796, MONDO:0007947, OMIM 154700.
Familial thoracic aortic aneurysm and aortic dissection (TAAD). Also called: Thoracic aortic aneurysms and dissections. Identifiers: Orphanet 91387, MedGen C4707243, MONDO:0019625.

gnomAD v4.1: 1 of 1,614,082 alleles (0.000062%); highest among the groups gnomAD compares: Non-Finnish European, 0.000085%; no homozygotes.

Submission:

Labcorp Genetics (formerly Invitae), Labcorp
Classification: Uncertain significance for Marfan syndrome; Familial thoracic aortic aneurysm and aortic dissection. Last evaluated: 2025-04-23. Review status: criteria provided, single submitter. Criteria: Invitae Variant Classification Sherloc (09022015). Collection method: clinical testing. Allele origin: germline.
Comment: This sequence change replaces proline, which is neutral and non-polar, with serine, which is neutral and polar, at codon 2326 of the FBN1 protein (p.Pro2326Ser). This variant is not present in population databases (gnomAD no frequency). This variant has not been reported in the literature in individuals affected with FBN1-related conditions. Invitae Evidence Modeling of protein sequence and biophysical properties (such as structural, functional, and spatial information, amino acid conservation, physicochemical variation, residue mobility, and thermodynamic stability) indicates that this missense variant is not expected to disrupt FBN1 protein function with a negative predictive value of 95%. In summary, the available evidence is currently insufficient to determine the role of this variant in disease. Therefore, it has been classified as a Variant of Uncertain Significance.